The following is an entry in ClinVar:

ClinVar aggregate classification (germline): Uncertain significance (1 of 4 stars; one submission).

Conditions:
Muscle AMP deaminase deficiency (MMDD). Also called: AMPD1 DEFICIENCY; ADENOSINE MONOPHOSPHATE DEAMINASE-1 DEFICIENCY, MYOPATHY DUE TO; Myoadenylate deaminase deficiency, myopathy due to; Adenosine monophosphate deaminase 1 deficiency; AMP deaminase 1 deficiency; Adenosine Monophosphate Deaminase 1. Identifiers: Orphanet 45, MedGen C3714933, MONDO:0014220, OMIM 615511.

Allele frequency attached by ClinVar (database versions not stated): gnomAD exomes 0.00002 and 0.00003; ExAC 0.00003; gnomAD 0.00011.
gnomAD v4.1: 45 of 1,614,074 alleles (0.0028%); highest among the groups gnomAD compares: Non-Finnish European, 0.0037%; no homozygotes.

Submission:

Labcorp Genetics (formerly Invitae), Labcorp
Classification: Uncertain significance for Muscle AMP deaminase deficiency. Last evaluated: 2025-12-08. Review status: criteria provided, single submitter. Criteria: Invitae Variant Classification Sherloc (09022015). Collection method: clinical testing. Allele origin: germline.
Comment: This sequence change replaces glutamic acid, which is acidic and polar, with valine, which is neutral and non-polar, at codon 565 of the AMPD1 protein (p.Glu565Val). This variant is present in population databases (rs776146662, gnomAD 0.02%). This variant has not been reported in the literature in individuals affected with AMPD1-related conditions. ClinVar contains an entry for this variant (Variation ID: 1497520). Invitae Evidence Modeling of protein sequence and biophysical properties (such as structural, functional, and spatial information, amino acid conservation, physicochemical variation, residue mobility, and thermodynamic stability) indicates that this missense variant is not expected to disrupt AMPD1 protein function with a negative predictive value of 80%. In summary, the available evidence is currently insufficient to determine the role of this variant in disease. Therefore, it has been classified as a Variant of Uncertain Significance.

NM_000036.3(AMPD1):c.1595A>T (p.Glu532Val)

Gene: AMPD1 (adenosine monophosphate deaminase 1; minus strand). Cytogenetic location: 1p13.2.
Variant type: single nucleotide variant.
Coding change: c.1595A>T on transcript NM_000036.3 (MANE Select); coding-DNA position 1595, A replaced by T.
Protein change: p.Glu532Val; replaces glutamic acid 532 with valine.
Molecular consequence: missense variant.
Genome position (GRCh38, 1-based): chr1:114,675,614, T>A on the plus strand (A>T on the coding strand, the complement: AMPD1 is on the minus strand). VCF-style: chr1-114675614-T-A. GRCh37 (hg19) VCF-style: chr1-115218235-T-A.
Other names: c.1583A>T, p.Glu528Val (NM_001172626.2); short protein forms E528V, E532V.
Identifiers: ClinVar variation 1497520 (VCV001497520.6), dbSNP rs776146662, ClinGen allele CA1020067.